The following is an entry in ClinVar:

NM_000465.4(BARD1):c.1524T>C (p.Asp508=)

Gene: BARD1 (BRCA1 associated RING domain 1; minus strand). Cytogenetic location: 2q35.
Variant type: single nucleotide variant.
Coding change: c.1524T>C on transcript NM_000465.4 (MANE Select); coding-DNA position 1524, T replaced by C.
Protein change: p.Asp508=; no amino-acid change (aspartic acid 508 retained).
Molecular consequence: synonymous variant. On other transcripts: non-coding transcript variant (3), intron variant (3).
Genome position (GRCh38, 1-based): chr2:214,767,526, A>G on the plus strand (T>C on the coding strand, the complement: BARD1 is on the minus strand). VCF-style: chr2-214767526-A-G. GRCh37 (hg19) VCF-style: chr2-215632250-A-G.
Other names: c.1467T>C, p.Asp489= (NM_001282543.2); c.159-14971T>C (NM_001282548.2); c.216-14971T>C (NM_001282545.2); c.364+24771T>C (NM_001282549.2).
Identifiers: ClinVar variation 514817 (VCV000514817.1), dbSNP rs1553619227, ClinGen allele CA431129208.
Genomic context (GRCh38, chr2:214,767,526, plus strand): 5'-ACGTTGAACTACTTACACAGCATTTCTGGAGGCTCCATAGGAAAGTAACAGCTTGACTAT[A>G]TCCACATGCCCATTCTTGGCTGCATCGTGAAGTGGTGAGTCATTTTGATACCCGGTGGTG-3'
Protein context (NP_000456.2, residues 498-518): LHDAAKNGHV[Asp508=]IVKLLLSYGA

ClinVar aggregate classification (germline): Likely benign (1 of 4 stars; one submission).

Submission:

GeneDx
Classification: Likely benign. Last evaluated: 2018-01-11. Review status: criteria provided, single submitter. Criteria: GeneDx Variant Classification (06012015). Collection method: clinical testing. Allele origin: germline. Affected: yes.
Comment: This variant is considered likely benign or benign based on one or more of the following criteria: it is a conservative change, it occurs at a poorly conserved position in the protein, it is predicted to be benign by multiple in silico algorithms, and/or has population frequency not consistent with disease.